The following is an entry in ClinVar:

ClinVar aggregate classification (germline): Uncertain significance. Review status: criteria provided, multiple submitters, no conflicts (2 of 4 stars). 2 submissions from 2 submitters: Uncertain significance (2). Last evaluated 2024-12-16.

Conditions:
Inborn genetic diseases. Identifiers: MedGen C0950123, MeSH D030342.

Submissions (2):

Ambry Genetics
Classification: Uncertain significance for Inborn genetic diseases. Last evaluated: 2024-12-16. Review status: criteria provided, single submitter. Criteria: Ambry Variant Classification Scheme 2023. Collection method: clinical testing. Allele origin: germline.

Labcorp Genetics (formerly Invitae), Labcorp
Classification: Uncertain significance. Last evaluated: 2022-02-26. Review status: criteria provided, single submitter. Criteria: Invitae Variant Classification Sherloc (09022015). Collection method: clinical testing. Allele origin: germline.
Comment: In summary, the available evidence is currently insufficient to determine the role of this variant in disease. Therefore, it has been classified as a Variant of Uncertain Significance. Algorithms developed to predict the effect of missense changes on protein structure and function are either unavailable or do not agree on the potential impact of this missense change (SIFT: "Deleterious"; PolyPhen-2: "Possibly Damaging"; Align-GVGD: "Class C0"). This variant has not been reported in the literature in individuals affected with ERCC2-related conditions. This variant is not present in population databases (gnomAD no frequency). This sequence change replaces tyrosine, which is neutral and polar, with histidine, which is basic and polar, at codon 625 of the ERCC2 protein (p.Tyr625His).

NM_000400.4(ERCC2):c.1873T>C (p.Tyr625His)

Gene: ERCC2 (ERCC excision repair 2, TFIIH core complex helicase subunit; minus strand). Cytogenetic location: 19q13.32.
Variant type: single nucleotide variant.
Coding change: c.1873T>C on transcript NM_000400.4 (MANE Select); coding-DNA position 1873, T replaced by C.
Protein change: p.Tyr625His; replaces tyrosine 625 with histidine.
Molecular consequence: missense variant.
Genome position (GRCh38, 1-based): chr19:45,352,775, A>G on the plus strand (T>C on the coding strand, the complement: ERCC2 is on the minus strand). VCF-style: chr19-45352775-A-G. GRCh37 (hg19) VCF-style: chr19-45856033-A-G.
Other names: c.1873T>C (NM_000400.3); short protein forms Y625H.
Identifiers: ClinVar variation 1490319 (VCV001490319.7), dbSNP rs2123225575, ClinGen allele CA406363794.